The following is an entry in ClinVar:

ClinVar aggregate classification (germline): Uncertain significance (1 of 4 stars; one submission).

Conditions:
ALMS1-related disorder. Also called: ALMS1-related condition.

gnomAD v4.1: 9 of 1,612,296 alleles (0.00056%); highest among the groups gnomAD compares: Non-Finnish European, 0.00076%; no homozygotes.

Submission:

PreventionGenetics, part of Exact Sciences
Classification: Uncertain significance for ALMS1-related condition. Last evaluated: 2026-01-14. Review status: criteria provided, single submitter. Criteria: ACMG Guidelines, 2015. Collection method: clinical testing. Allele origin: germline.
Comment: The ALMS1 c.875G>A variant is predicted to result in the amino acid substitution p.Arg292His. To our knowledge, this variant has not been reported in the literature. This variant is reported in 0.0056% of alleles in individuals of East Asian descent in gnomAD. At this time, the clinical significance of this variant is uncertain due to the absence of conclusive functional and genetic evidence.

NM_001378454.1(ALMS1):c.872G>A (p.Ser291Asn)

Gene: ALMS1 (ALMS1 centrosome and basal body associated protein; plus strand). Cytogenetic location: 2p13.1.
Variant type: single nucleotide variant.
Coding change: c.872G>A on transcript NM_001378454.1 (MANE Select); coding-DNA position 872, G replaced by A.
Protein change: p.Ser291Asn; replaces serine 291 with asparagine.
Molecular consequence: missense variant.
Genome position (GRCh38, 1-based): chr2:73,424,537, G>A. VCF-style: chr2-73424537-G-A. GRCh37 (hg19) VCF-style: chr2-73651665-G-A.
Other names: c.875G>A, p.Ser292Asn (NM_015120.4); short protein forms S292N, S291N.
Identifiers: ClinVar variation 4977792 (VCV004977792.1).